The following is an entry in ClinVar:

ClinVar aggregate classification (germline): Conflicting classifications of pathogenicity. Review status: criteria provided, conflicting classifications (1 of 4 stars). 3 submissions from 3 submitters: Uncertain significance (2); Likely benign (1). Last evaluated 2024-10-24.

Conditions:
Inborn genetic diseases. Identifiers: MedGen C0950123, MeSH D030342.
Charcot-Marie-Tooth disease axonal type 2C (HMSN2C). Also called: Charcot-Marie-Tooth Disease Type 2, TRPV4-Related (CMT2C); CHARCOT-MARIE-TOOTH DISEASE, AXONAL, AUTOSOMAL DOMINANT, TYPE 2C; Charcot-Marie-Tooth Neuropathy Type 2C. Identifiers: Orphanet 99937, MedGen C1853710, MONDO:0011633, OMIM 606071.

Allele frequency attached by ClinVar (database versions not stated): gnomAD exomes 0.00001 and 0.00004; ExAC 0.00002; gnomAD 0.00002; TOPMed 0.00002; ESP Exome Variant Server 0.00015.
gnomAD v4.1: 59 of 1,613,086 alleles (0.0037%); highest among the groups gnomAD compares: Non-Finnish European, 0.0046%; no homozygotes.

Submissions (3):

Labcorp Genetics (formerly Invitae), Labcorp
Classification: Uncertain significance for Charcot-Marie-Tooth disease axonal type 2C. Last evaluated: 2024-10-24. Review status: criteria provided, single submitter. Criteria: Invitae Variant Classification Sherloc (09022015). Collection method: clinical testing. Allele origin: germline.
Comment: This sequence change replaces glycine, which is neutral and non-polar, with serine, which is neutral and polar, at codon 370 of the TRPV4 protein (p.Gly370Ser). This variant is present in population databases (rs146053143, gnomAD 0.004%). This variant has not been reported in the literature in individuals affected with TRPV4-related conditions. ClinVar contains an entry for this variant (Variation ID: 937661). An algorithm developed to predict the effect of missense changes on protein structure and function outputs the following: PolyPhen-2: "Benign". The serine amino acid residue is found in multiple mammalian species, which suggests that this missense change does not adversely affect protein function. In summary, the available evidence is currently insufficient to determine the role of this variant in disease. Therefore, it has been classified as a Variant of Uncertain Significance.

GeneDx
Classification: Likely benign. Last evaluated: 2021-04-02. Review status: criteria provided, single submitter. Criteria: GeneDx Variant Classification Process June 2021. Collection method: clinical testing. Allele origin: germline. Affected: yes.
Comment: In silico analysis, which includes protein predictors and evolutionary conservation, supports a deleterious effect; Has not been previously published as pathogenic or benign to our knowledge

Ambry Genetics
Classification: Uncertain significance for Inborn genetic diseases. Last evaluated: 2019-08-30. Review status: criteria provided, single submitter. Criteria: Ambry Variant Classification Scheme 2023. Collection method: clinical testing. Allele origin: germline.
Comment: The p.G370S variant (also known as c.1108G>A), located in coding exon 5 of the TRPV4 gene, results from a G to A substitution at nucleotide position 1108. The glycine at codon 370 is replaced by serine, an amino acid with similar properties. This amino acid position is well conserved in available vertebrate species. In addition, the in silico prediction for this alteration is inconclusive. Since supporting evidence is limited at this time, the clinical significance of this alteration remains unclear.

NM_021625.5(TRPV4):c.1108G>A (p.Gly370Ser)

Gene: TRPV4 (transient receptor potential cation channel subfamily V member 4; minus strand). Cytogenetic location: 12q24.11.
Variant type: single nucleotide variant.
Coding change: c.1108G>A on transcript NM_021625.5 (MANE Select); coding-DNA position 1108, G replaced by A.
Protein change: p.Gly370Ser; replaces glycine 370 with serine.
Molecular consequence: missense variant.
Genome position (GRCh38, 1-based): chr12:109,798,658, C>T on the plus strand (G>A on the coding strand, the complement: TRPV4 is on the minus strand). VCF-style: chr12-109798658-C-T. GRCh37 (hg19) VCF-style: chr12-110236463-C-T.
Other names: c.1108G>A, p.Gly370Ser (NM_147204.3); c.967G>A, p.Gly323Ser (NM_001177428.2, NM_001177433.2); c.1006G>A, p.Gly336Ser (NM_001177431.2); short protein forms G336S, G370S, G323S.
Identifiers: ClinVar variation 937661 (VCV000937661.13), dbSNP rs146053143, ClinGen allele CA6780348.
Genomic context (GRCh38, chr12:109,798,658, plus strand): 5'-CCAGCCGCACACTCACCCCAATCTTGCCCGTCTTGGCAGCCATCATGAGGGGCGAGAGGC[C>T]GTCGTTGTTGAGCACGGCCTCCAGGTTGCTGTCGGGGAAGAGGCGGGCACACTTGAGCAG-3'
Protein context (NP_067638.3, residues 360-380): SNLEAVLNND[Gly370Ser]LSPLMMAAKT